The following is an entry in ClinVar:

NM_014014.5(SNRNP200):c.6092+5G>C

Gene: SNRNP200 (small nuclear ribonucleoprotein U5 subunit 200; minus strand). Cytogenetic location: 2q11.2.
Variant type: single nucleotide variant.
Coding change: c.6092+5G>C on transcript NM_014014.5 (MANE Select); 5 bases into the intron after coding-DNA position 6092, G replaced by C.
Molecular consequence: intron variant.
Genome position (GRCh38, 1-based): chr2:96,277,076, C>G on the plus strand (G>C on the coding strand, the complement: SNRNP200 is on the minus strand). VCF-style: chr2-96277076-C-G. GRCh37 (hg19) VCF-style: chr2-96942814-C-G.
Identifiers: ClinVar variation 964109 (VCV000964109.9), dbSNP rs1430890315, ClinGen allele CA895734490.
Genomic context (GRCh38, chr2:96,277,076, plus strand): 5'-TGATGGGGCAGTGGGCTCAGAGCACACTATTATGCTGTGCCCAACAGGCACCACCTCTGG[C>G]TCACCTGCGGATGCTGTCCTTATCTACCACCTCATAAGATAGTTCGATATTAGGGTAGCG-3'

ClinVar aggregate classification (germline): Uncertain significance. Review status: criteria provided, multiple submitters, no conflicts (2 of 4 stars). 3 submissions from 3 submitters: Uncertain significance (3). Last evaluated 2025-01-27.

Conditions:
SNRNP200-related disorder. Also called: SNRNP200-related condition.

Allele frequency attached by ClinVar (database versions not stated): gnomAD 0.00003; TOPMed 0.00003.
gnomAD v4.1: 4 of 1,614,110 alleles (0.00025%); highest among the groups gnomAD compares: Admixed American, 0.0067%; no homozygotes.

Submissions (3):

PreventionGenetics, part of Exact Sciences
Classification: Uncertain significance for SNRNP200-related condition. Last evaluated: 2025-01-27. Review status: criteria provided, single submitter. Criteria: ACMG Guidelines, 2015. Collection method: clinical testing. Allele origin: germline.
Comment: The SNRNP200 c.6092+5G>C variant is predicted to interfere with splicing. This variant is predicted to strengthen a cryptic splice donor site within the nearby exon (SpliceAI, Jaganathan et al. 2019. PubMed ID: 30661751). To our knowledge, this variant has not been reported in the literature or in a large population database (gnomAD), indicating this variant is rare. At this time, the clinical significance of this variant is uncertain due to the absence of conclusive functional and genetic evidence.

Labcorp Genetics (formerly Invitae), Labcorp
Classification: Uncertain significance. Last evaluated: 2022-03-09. Review status: criteria provided, single submitter. Criteria: Invitae Variant Classification Sherloc (09022015). Collection method: clinical testing. Allele origin: germline.
Comment: In summary, the available evidence is currently insufficient to determine the role of this variant in disease. Therefore, it has been classified as a Variant of Uncertain Significance. Variants that disrupt the consensus splice site are a relatively common cause of aberrant splicing (PMID: 17576681, 9536098). Algorithms developed to predict the effect of sequence changes on RNA splicing suggest that this variant may create or strengthen a splice site. ClinVar contains an entry for this variant (Variation ID: 964109). This variant has not been reported in the literature in individuals affected with SNRNP200-related conditions. This variant is not present in population databases (gnomAD no frequency). This sequence change falls in intron 42 of the SNRNP200 gene. It does not directly change the encoded amino acid sequence of the SNRNP200 protein. It affects a nucleotide within the consensus splice site.

Blueprint Genetics
Classification: Uncertain significance. Last evaluated: 2019-05-06. Review status: criteria provided, single submitter. Criteria: ACMG Guidelines, 2015. Collection method: clinical testing. Allele origin: germline.

Literature cited by the submitters: PubMed 17576681 (cited by Labcorp Genetics (formerly Invitae), Labcorp); PubMed 9536098 (cited by Labcorp Genetics (formerly Invitae), Labcorp).